The following is an entry in ClinVar:

NM_001127222.2(CACNA1A):c.3304G>A (p.Asp1102Asn)

Gene: CACNA1A (calcium voltage-gated channel subunit alpha1 A; minus strand). Cytogenetic location: 19p13.13.
Variant type: single nucleotide variant.
Coding change: c.3304G>A on transcript NM_001127222.2 (MANE Select); coding-DNA position 3304, G replaced by A.
Protein change: p.Asp1102Asn; replaces aspartic acid 1102 with asparagine.
Molecular consequence: missense variant.
Genome position (GRCh38, 1-based): chr19:13,286,752, C>T on the plus strand (G>A on the coding strand, the complement: CACNA1A is on the minus strand). VCF-style: chr19-13286752-C-T. GRCh37 (hg19) VCF-style: chr19-13397566-C-T.
Other names: c.3316G>A, p.Asp1106Asn (NM_000068.4, NM_023035.3); c.3307G>A, p.Asp1103Asn (NM_001127221.2, NM_001174080.2); c.3304G>A (NM_001127222.1); short protein forms D1103N, D1102N, D1106N.
Identifiers: ClinVar variation 515148 (VCV000515148.22), dbSNP rs372823282, ClinGen allele CA9240365.

ClinVar aggregate classification (germline): Benign/Likely benign. Review status: criteria provided, multiple submitters, no conflicts (2 of 4 stars). 5 submissions from 5 submitters: Benign (2); Likely benign (2). 1 of the submissions does not count toward it. Last evaluated 2025-12-28.

Conditions:
Inborn genetic diseases. Identifiers: MedGen C0950123, MeSH D030342.
CACNA1A-related disorder. Also called: CACNA1A-related condition.
Episodic ataxia type 2 (EA2). Also called: ATAXIA, EPISODIC, WITH NYSTAGMUS; ATAXIA, FAMILIAL PAROXYSMAL; CEREBELLAR ATAXIA, PAROXYSMAL, ACETAZOLAMIDE-RESPONSIVE; CEREBELLOPATHY, HEREDITARY PAROXYSMAL; EPISODIC ATAXIA, NYSTAGMUS-ASSOCIATED; ACETAZOLAMIDE-RESPONSIVE HEREDITARY PAROXYSMAL CEREBELLAR ATAXIA. Identifiers: Orphanet 97, MedGen C1720416, MONDO:0007163, OMIM 108500.
Developmental and epileptic encephalopathy, 42 (DEE42A). Also called: DEVELOPMENTAL AND EPILEPTIC ENCEPHALOPATHY 42A; EPILEPTIC ENCEPHALOPATHY, EARLY INFANTILE, 42A; Epileptic encephalopathy, early infantile, 42. Identifiers: MedGen C4310716, MONDO:0014917, OMIM 617106.

Allele frequency attached by ClinVar (database versions not stated): gnomAD 0.00001 and 0.00015; TOPMed 0.00003; 1000 Genomes Project 30x 0.00031; 1000 Genomes Project 0.00040; ExAC 0.00047; gnomAD exomes 0.00050.
gnomAD v4.1: 363 of 1,608,514 alleles (0.023%); highest among the groups gnomAD compares: South Asian, 0.36%; 4 homozygotes.

Submissions (5):

Labcorp Genetics (formerly Invitae), Labcorp
Classification: Benign for Developmental and epileptic encephalopathy, 42; Episodic ataxia type 2. Last evaluated: 2025-12-28. Review status: criteria provided, single submitter. Criteria: Invitae Variant Classification Sherloc (09022015). Collection method: clinical testing. Allele origin: germline.

Ambry Genetics
Classification: Likely benign for Inborn genetic diseases. Last evaluated: 2024-11-25. Review status: criteria provided, single submitter. Criteria: Ambry Variant Classification Scheme 2023. Collection method: clinical testing. Allele origin: germline.

Blueprint Genetics
Classification: Likely benign. Last evaluated: 2024-04-16. Review status: criteria provided, single submitter. Criteria: ACMG Guidelines, 2015. Collection method: clinical testing. Allele origin: germline.

GeneDx
Classification: Benign. Last evaluated: 2021-04-10. Review status: criteria provided, single submitter. Criteria: GeneDx Variant Classification Process June 2021. Collection method: clinical testing. Allele origin: germline. Affected: yes.

PreventionGenetics, part of Exact Sciences
Classification: Likely benign for CACNA1A-related condition. Last evaluated: 2023-01-19. Review status: no assertion criteria provided. Collection method: clinical testing. Allele origin: germline. Not counted in ClinVar's aggregate classification.
Comment: This variant is classified as likely benign based on ACMG/AMP sequence variant interpretation guidelines (Richards et al. 2015 PMID: 25741868, with internal and published modifications).